The following is an entry in ClinVar:

ClinVar aggregate classification (germline): Uncertain significance. Review status: criteria provided, multiple submitters, no conflicts (2 of 4 stars). 2 submissions from 2 submitters: Uncertain significance (2). Last evaluated 2023-12-11.

Conditions:
3-Methylglutaconic aciduria type 3 (MGCA3). Also called: OPA3, AUTOSOMAL RECESSIVE; OPTIC ATROPHY 3, AUTOSOMAL RECESSIVE; OPA3-Related 3-Methylglutaconic Aciduria; Costeff Syndrome. Identifiers: Orphanet 67047, MedGen C0574084, MONDO:0009787, OMIM 258501.
Optic atrophy 3 (OPA3). Also called: OPTIC ATROPHY 3, AUTOSOMAL DOMINANT; Optic atrophy, cataract, and neurologic disorder; Optic atrophy 3 with cataract. Identifiers: Orphanet 67036, MedGen C1833809, MONDO:0008133, OMIM 165300.

Allele frequency attached by ClinVar (database versions not stated): gnomAD exomes below 0.00001.
gnomAD v4.1: 2 of 1,613,242 alleles (0.00012%); highest among the groups gnomAD compares: Non-Finnish European, 0.00017%; no homozygotes.

Submissions (2):

GeneDx
Classification: Uncertain significance. Last evaluated: 2023-12-11. Review status: criteria provided, single submitter. Criteria: GeneDx Variant Classification Process June 2021. Collection method: clinical testing. Allele origin: germline. Affected: yes.
Comment: Has not been previously published as pathogenic or benign to our knowledge; Not observed at significant frequency in large population cohorts (gnomAD); In silico analysis supports that this missense variant has a deleterious effect on protein structure/function

Labcorp Genetics (formerly Invitae), Labcorp
Classification: Uncertain significance for 3-Methylglutaconic aciduria type 3; Optic atrophy 3. Last evaluated: 2022-10-30. Review status: criteria provided, single submitter. Criteria: Invitae Variant Classification Sherloc (09022015). Collection method: clinical testing. Allele origin: germline.
Comment: In summary, the available evidence is currently insufficient to determine the role of this variant in disease. Therefore, it has been classified as a Variant of Uncertain Significance. Algorithms developed to predict the effect of missense changes on protein structure and function (SIFT, PolyPhen-2, Align-GVGD) all suggest that this variant is likely to be disruptive. This variant has not been reported in the literature in individuals affected with OPA3-related conditions. This variant is not present in population databases (gnomAD no frequency). This sequence change replaces glutamic acid, which is acidic and polar, with lysine, which is basic and polar, at codon 86 of the OPA3 protein (p.Glu86Lys).

NM_025136.4(OPA3):c.256G>A (p.Glu86Lys)

Genes: OPA3 (outer mitochondrial membrane lipid metabolism regulator OPA3; minus strand), OPA3-RTN2 (OPA3-RTN2 readthrough; minus strand). Cytogenetic location: 19q13.32.
Variant type: single nucleotide variant.
Coding change: c.256G>A on transcript NM_025136.4 (MANE Select); coding-DNA position 256, G replaced by A.
Protein change: p.Glu86Lys; replaces glutamic acid 86 with lysine.
Molecular consequence: missense variant. On other transcripts: intron variant (1).
Genome position (GRCh38, 1-based): chr19:45,553,798, C>T on the plus strand (G>A on the coding strand, the complement: OPA3 is on the minus strand). VCF-style: chr19-45553798-C-T. GRCh37 (hg19) VCF-style: chr19-46057056-C-T.
Other names: c.256G>A (NM_025136.3); c.143-24342G>A (NM_001017989.3); short protein forms E86K.
Identifiers: ClinVar variation 2932188 (VCV002932188.4), dbSNP rs1969378628, ClinGen allele CA406371063.